The following is an entry in ClinVar:

NM_001083962.2(TCF4):c.1712T>G (p.Met571Arg)

Gene: TCF4 (transcription factor 4; minus strand). Cytogenetic location: 18q21.2.
Variant type: single nucleotide variant.
Coding change: c.1712T>G on transcript NM_001083962.2 (MANE Select); coding-DNA position 1712, T replaced by G.
Protein change: p.Met571Arg; replaces methionine 571 with arginine.
Molecular consequence: missense variant.
Genome position (GRCh38, 1-based): chr18:55,229,014, A>C on the plus strand (T>G on the coding strand, the complement: TCF4 is on the minus strand). VCF-style: chr18-55229014-A-C. GRCh37 (hg19) VCF-style: chr18-52896245-A-C.
Other names: c.2018T>G, p.Met673Arg (NM_001243226.3); c.1640T>G, p.Met547Arg (NM_001243227.2, NM_001348217.1, NM_001348218.2 and 1 more transcripts); c.1730T>G, p.Met577Arg (NM_001243228.2); c.1691T>G, p.Met564Arg (NM_001243230.2); c.1574T>G, p.Met525Arg (NM_001243231.2); c.1499T>G, p.Met500Arg (NM_001243232.1); c.1310T>G, p.Met437Arg (NM_001243233.2, NM_001348212.2); c.1232T>G, p.Met411Arg (NM_001243234.2, NM_001348216.2); and 14 more; short protein forms M355R, M406R, M407R, M411R, M437R, M441R, M496R, M500R.
Identifiers: ClinVar variation 3773975 (VCV003773975.1).
Genomic context (GRCh38, chr18:55,229,014, plus strand): 5'-AGCTCTTTGAAAGCCTCGTTGATGTCACGGACCCGCAGACGCTCTCGGGCATTGTTGGCC[A>C]TCCTCCGCTCCTTCTCACGCTCTGCCTTCTGCTCTGGTGTCAGGTCCTCATCGTCATTAT-3'
Protein context (NP_001077431.1, residues 561-581): QKAEREKERR[Met571Arg]ANNARERLRV

ClinVar aggregate classification (germline): Uncertain significance (1 of 4 stars; one submission).

Submission:

GeneDx
Classification: Uncertain significance. Last evaluated: 2024-09-23. Review status: criteria provided, single submitter. Criteria: GeneDx Variant Classification Process June 2021. Collection method: clinical testing. Allele origin: germline. Affected: yes.
Comment: Not observed at significant frequency in large population cohorts (gnomAD); In silico analysis supports that this missense variant has a deleterious effect on protein structure/function; Has not been previously published as pathogenic or benign to our knowledge